The following is an entry in ClinVar:

NM_004260.4(RECQL4):c.3181G>C (p.Ala1061Pro)

Gene: RECQL4 (RecQ like helicase 4; minus strand). Cytogenetic location: 8q24.3.
Variant type: single nucleotide variant.
Coding change: c.3181G>C on transcript NM_004260.4 (MANE Select); coding-DNA position 3181, G replaced by C.
Protein change: p.Ala1061Pro; replaces alanine 1061 with proline.
Molecular consequence: missense variant. On other transcripts: non-coding transcript variant (3).
Genome position (GRCh38, 1-based): chr8:144,512,199, C>G on the plus strand (G>C on the coding strand, the complement: RECQL4 is on the minus strand). VCF-style: chr8-144512199-C-G. GRCh37 (hg19) VCF-style: chr8-145737582-C-G.
Other names: c.2887G>C, p.Ala963Pro (NM_001413017.1); c.2983G>C, p.Ala995Pro (NM_001413018.1); c.3256G>C, p.Ala1086Pro (NM_001413019.1); c.3085G>C, p.Ala1029Pro (NM_001413020.1); c.2110G>C, p.Ala704Pro (NM_001413021.1, NM_001413022.1, NM_001413024.1 and 4 more transcripts); c.2185G>C, p.Ala729Pro (NM_001413023.1); c.3052G>C, p.Ala1018Pro (NM_001413025.1); c.2044G>C, p.Ala682Pro (NM_001413027.1, NM_001413030.1, NM_001413032.1); and 9 more; short protein forms A1017P, A1018P, A1029P, A1051P, A1061P, A1086P, A572P, A638P.
Identifiers: ClinVar variation 4863156 (VCV004863156.1).

ClinVar aggregate classification (germline): Uncertain significance (1 of 4 stars; one submission).

Conditions:
Inborn genetic diseases. Identifiers: MedGen C0950123, MeSH D030342.

Submission:

Ambry Genetics
Classification: Uncertain significance for Inborn genetic diseases. Last evaluated: 2026-03-31. Review status: criteria provided, single submitter. Criteria: Ambry Variant Classification Scheme 2023. Collection method: clinical testing. Allele origin: germline.
Comment: The p.A1061P variant (also known as c.3181G>C), located in coding exon 18 of the RECQL4 gene, results from a G to C substitution at nucleotide position 3181. The alanine at codon 1061 is replaced by proline, an amino acid with highly similar properties. This amino acid position is conserved. In addition, this alteration is predicted to be tolerated by in silico analysis. Based on the available evidence, the clinical significance of this variant remains unclear.